The following is an entry in ClinVar:

NM_175882.3(SPPL2C):c.368G>A (p.Arg123Gln)

Genes: MAPT-AS1 (MAPT antisense RNA 1), SPPL2C (signal peptide peptidase like 2C). Cytogenetic location: 17q21.31.
Variant type: single nucleotide variant.
Coding change: c.368G>A on transcript NM_175882.3 (MANE Select); coding-DNA position 368, G replaced by A.
Protein change: p.Arg123Gln; replaces arginine 123 with glutamine.
Molecular consequence: missense variant.
Genome position (GRCh38, 1-based): chr17:45,845,274, G>A. VCF-style: chr17-45845274-G-A. GRCh37 (hg19) VCF-style: chr17-43922640-G-A.
Other names: short protein forms R123Q.
Identifiers: ClinVar variation 1288972 (VCV001288972.2), dbSNP rs17763658, ClinGen allele CA8617089.

ClinVar aggregate classification (germline): Benign. Review status: criteria provided, multiple submitters, no conflicts (2 of 4 stars). 2 submissions from 2 submitters: Benign (2). Last evaluated 2020-07-15.

Allele frequency attached by ClinVar (database versions not stated): ESP Exome Variant Server 0.07174; gnomAD exomes 0.07302 and 0.07980; TOPMed 0.07666; gnomAD 0.07784 and 0.07868; ExAC 0.07993; 1000 Genomes Project 30x 0.08510; 1000 Genomes Project 0.09065.
gnomAD v4.1: 118,848 of 1,613,782 alleles (7.4%); highest among the groups gnomAD compares: East Asian, 12%; 4,597 homozygotes.

Submissions (2):

GeneDx
Classification: Benign. Last evaluated: 2020-07-15. Review status: criteria provided, single submitter. Criteria: GeneDx Variant Classification Process June 2021. Collection method: clinical testing. Allele origin: germline. Affected: yes.
Comment: This variant is associated with the following publications: (PMID: 24166410)

Breakthrough Genomics
Classification: Benign. Review status: criteria provided, single submitter. Criteria: ACMG Guidelines, 2015. Collection method: not provided. Allele origin: germline. Inheritance: Unknown mechanism. Affected: yes.